The following is an entry in ClinVar:

ClinVar aggregate classification (germline): Conflicting classifications of pathogenicity. Review status: criteria provided, conflicting classifications (1 of 4 stars). 25 submissions from 21 submitters: Uncertain significance (3); Benign (12); Likely benign (3). 7 of the submissions do not count toward it. Last evaluated 2026-10-01.

Conditions:
TTN-related disorder. Also called: TTN-related disorders; TTN-related condition; TTN-related disease.
Cardiovascular phenotype. Identifiers: MedGen CN230736.
Autosomal recessive limb-girdle muscular dystrophy type 2J (LGMDR10). Also called: MUSCULAR DYSTROPHY, LIMB-GIRDLE, AUTOSOMAL RECESSIVE 10; Limb-girdle muscular dystrophy, type 2J. Identifiers: Orphanet 140922, MedGen C1837342, MONDO:0012127, OMIM 608807.
Dilated cardiomyopathy 1G (CMD1G). Identifiers: Orphanet 154, MedGen C1858763, MONDO:0011400, OMIM 604145.
Cardiomyopathy (CMYO). Also called: Cardiomyopathies. Identifiers: Orphanet 167848, MedGen C0878544, MONDO:0004994, HP:0001638. Inheritance: Various modes of inheritance.
Early-onset myopathy with fatal cardiomyopathy (CMYO5). Also called: CONGENITAL MYOPATHY 5 WITH CARDIOMYOPATHY; Salih Myopathy. Identifiers: Orphanet 289377, MedGen C2673677, MONDO:0012714, OMIM 611705. Disease mechanism: loss of function.
Myopathy, myofibrillar, 9, with early respiratory failure (MFM9). Also called: Myopathy, distal, with early respiratory failure, autosomal dominant; Hereditary myopathy with early respiratory failure; EDSTROM MYOPATHY; MYOPATHY, PROXIMAL, WITH EARLY RESPIRATORY MUSCLE INVOLVEMENT. Identifiers: Orphanet 178464, Orphanet 34521, MedGen C1863599, MONDO:0011362, OMIM 603689.
Tibial muscular dystrophy (TMD). Also called: Tibial muscular dystrophy, tardive; Udd Distal Myopathy – Tibial Muscular Dystrophy; UDD MYOPATHY. Identifiers: Orphanet 609, MedGen C1838244, MONDO:0010870, OMIM 600334.
Hypertrophic cardiomyopathy 2. Also called: TNNT2-Related Familial Hypertrophic Cardiomyopathy. Identifiers: MedGen C1861864, MONDO:0007266, OMIM 115195.

Allele frequency attached by ClinVar (database versions not stated): 1000 Genomes Project 0.00300; TOPMed 0.00403; ESP Exome Variant Server 0.00479; gnomAD 0.00615 and 0.00614; 1000 Genomes Project 30x 0.00297; ExAC 0.00542; gnomAD exomes 0.00619.
gnomAD v4.1: 10,848 of 1,613,474 alleles (0.67%); highest among the groups gnomAD compares: Non-Finnish European, 0.69%; 64 homozygotes.

Submissions (25):

CeGaT Center for Human Genetics Tuebingen
Classification: Likely benign. Last evaluated: 2026-10-01. Review status: criteria provided, single submitter. Criteria: CeGaT Center For Human Genetics Tuebingen Variant Classification Criteria Version 2. Collection method: clinical testing. Allele origin: germline. Affected: yes. Observed: 57 variant alleles.
Comment: TTN: BP4, BP7, BS2

Labcorp Genetics (formerly Invitae), Labcorp
Classification: Benign for Dilated cardiomyopathy 1G; Autosomal recessive limb-girdle muscular dystrophy type 2J. Last evaluated: 2026-02-04. Review status: criteria provided, single submitter. Criteria: Invitae Variant Classification Sherloc (09022015). Collection method: clinical testing. Allele origin: germline.

Molecular Diagnostic Laboratory for Inherited Cardiovascular Disease, Montreal Heart Institute
Classification: Benign. Last evaluated: 2025-04-09. Review status: criteria provided, single submitter. Criteria: ACMG Guidelines, 2015. Collection method: clinical testing. Allele origin: germline. Affected: no.

ARUP Laboratories, Molecular Genetics and Genomics, ARUP Laboratories
Classification: Benign. Last evaluated: 2025-03-25. Review status: criteria provided, single submitter. Criteria: ARUP Molecular Germline Variant Investigation Process 2024. Collection method: clinical testing. Allele origin: germline.

Blueprint Genetics
Classification: Likely benign. Last evaluated: 2024-11-21. Review status: criteria provided, single submitter. Criteria: ACMG Guidelines, 2015. Collection method: clinical testing. Allele origin: germline.

Athena Diagnostics
Classification: Benign. Last evaluated: 2024-08-02. Review status: criteria provided, single submitter. Criteria: Athena Diagnostics Criteria. Collection method: clinical testing. Allele origin: unknown.

Women's Health and Genetics/Laboratory Corporation of America, LabCorp
Classification: Benign. Last evaluated: 2019-10-30. Review status: criteria provided, single submitter. Criteria: LabCorp Variant Classification Summary - May 2015. Collection method: clinical testing. Allele origin: germline.
Comment: Variant summary: TTN c.73854T>C alters a non-conserved nucleotide resulting in a synonymous change. 3/3 computational tools predict no significant impact on normal splicing. However, these predictions have yet to be confirmed by functional studies. The variant allele was found at a frequency of 0.0062 in 248042 control chromosomes in the gnomAD database, including 11 homozygotes. The observed variant frequency is approximately 10 fold of the estimated maximal expected allele frequency for a pathogenic variant in TTN causing Cardiomyopathy phenotype (0.00063), strongly suggesting that the variant is benign. To our knowledge, no occurrence of c.73854T>C in individuals affected with Cardiomyopathy and no experimental evidence demonstrating its impact on protein function have been reported. Four ClinVar submitters (evaluation after 2014) cite the variant as benign/likely benign. Based on the evidence outlined above, the variant was classified as benign.

Mayo Clinic Laboratories, Mayo Clinic
Classification: Benign. Last evaluated: 2018-10-05. Review status: criteria provided, single submitter. Criteria: ACMG Guidelines, 2015. Collection method: clinical testing. Allele origin: germline. Observed: 29 variant alleles.

Illumina Laboratory Services, Illumina
Classification: Benign for Myopathy, myofibrillar, 9, with early respiratory failure. Last evaluated: 2018-01-13. Review status: criteria provided, single submitter. Criteria: ICSL Variant Classification Criteria 13 December 2019. Collection method: clinical testing. Allele origin: germline.
Comment: This variant was observed in the ICSL laboratory as part of a predisposition screen in an ostensibly healthy population. It had not been previously curated by ICSL or reported in the Human Gene Mutation Database (HGMD: prior to June 1st, 2018), and was therefore a candidate for classification through an automated scoring system. Utilizing variant allele frequency, disease prevalence and penetrance estimates, and inheritance mode, an automated score was calculated to assess if this variant is too frequent to cause the disease. Based on the score and internal cut-off values, a variant classified as benign is not then subjected to further curation. The score for this variant resulted in a classification of benign for this disease.

Illumina Laboratory Services, Illumina
Classification: Uncertain significance for Autosomal recessive limb-girdle muscular dystrophy type 2J. Last evaluated: 2018-01-13. Review status: criteria provided, single submitter. Criteria: ICSL Variant Classification Criteria 13 December 2019. Collection method: clinical testing. Allele origin: germline.

Illumina Laboratory Services, Illumina
Classification: Benign for Tibial muscular dystrophy. Last evaluated: 2018-01-13. Review status: criteria provided, single submitter. Criteria: ICSL Variant Classification Criteria 13 December 2019. Collection method: clinical testing. Allele origin: germline.
Comment: the same text as in the submission from Illumina Laboratory Services, Illumina above.

Illumina Laboratory Services, Illumina
Classification: Uncertain significance for Dilated cardiomyopathy 1G. Last evaluated: 2018-01-13. Review status: criteria provided, single submitter. Criteria: ICSL Variant Classification Criteria 13 December 2019. Collection method: clinical testing. Allele origin: germline.

Illumina Laboratory Services, Illumina
Classification: Uncertain significance for Early-onset myopathy with fatal cardiomyopathy. Last evaluated: 2018-01-13. Review status: criteria provided, single submitter. Criteria: ICSL Variant Classification Criteria 13 December 2019. Collection method: clinical testing. Allele origin: germline.

CHEO Genetics Diagnostic Laboratory, Children's Hospital of Eastern Ontario
Classification: Benign for Cardiomyopathy. Last evaluated: 2015-12-08. Review status: criteria provided, single submitter. Criteria: ACMG Guidelines, 2015. Collection method: clinical testing. Allele origin: germline. Study: Canadian Open Genetics Repository.

Eurofins Ntd Llc (ga)
Classification: Benign. Last evaluated: 2014-11-14. Review status: criteria provided, single submitter. Criteria: EGL Classification Definitions 2015. Collection method: clinical testing. Allele origin: germline. Observed: 5 variant alleles, 5 heterozygotes.

GeneDx
Classification: Benign. Last evaluated: 2013-12-09. Review status: criteria provided, single submitter. Criteria: GeneDx Variant Classification (06012015). Collection method: clinical testing. Allele origin: germline. Affected: yes.
Comment: This variant is considered likely benign or benign based on one or more of the following criteria: it is a conservative change, it occurs at a poorly conserved position in the protein, it is predicted to be benign by multiple in silico algorithms, and/or has population frequency not consistent with disease.

Laboratory for Molecular Medicine, Mass General Brigham Personalized Medicine
Classification: Benign. Last evaluated: 2012-07-18. Review status: criteria provided, single submitter. Criteria: LMM Criteria. Collection method: clinical testing. Allele origin: germline. Observed: 21 variant alleles.
Comment: Asn24618Asn in Exon 275 of TTN: This variant is not expected to have clinical si gnificance because it does not alter an amino acid residue, is not located withi n the splice consensus sequence and has been identified in 0.6% (43/6678) of Eur opean American chromosomes from a broad population by the NHLBI Exome Sequencing Project (dbSNP rs56181243).

Ambry Genetics
Classification: Likely benign for Cardiovascular phenotype. Last evaluated: 2012-07-13. Review status: criteria provided, single submitter. Criteria: Ambry Autosomal Dominant and X-Linked criteria (10/2015). Collection method: clinical testing. Allele origin: germline. Observed: 1 variant allele.

PreventionGenetics, part of Exact Sciences
Classification: Benign for TTN-related condition. Last evaluated: 2019-08-01. Review status: no assertion criteria provided. Collection method: clinical testing. Allele origin: germline. Not counted in ClinVar's aggregate classification.
Comment: This variant is classified as benign based on ACMG/AMP sequence variant interpretation guidelines (Richards et al. 2015 PMID: 25741868, with internal and published modifications).

Clinical Genetics DNA and cytogenetics Diagnostics Lab, Erasmus MC, Erasmus Medical Center
Classification: Benign. Review status: no assertion criteria provided. Collection method: clinical testing. Allele origin: germline. Affected: yes. Study: VKGL Data-share Consensus. Not counted in ClinVar's aggregate classification.

Clinical Genetics, Academic Medical Center
Classification: Benign. Review status: no assertion criteria provided. Collection method: clinical testing. Allele origin: germline. Affected: yes. Study: VKGL Data-share Consensus. Not counted in ClinVar's aggregate classification.

Diagnostic Laboratory, Department of Genetics, University Medical Center Groningen
Classification: Likely benign. Review status: no assertion criteria provided. Collection method: clinical testing. Allele origin: germline. Affected: yes. Study: VKGL Data-share Consensus. Not counted in ClinVar's aggregate classification.

Institute of Human Genetics, University of Wuerzburg
Classification: Likely benign for Hypertrophic cardiomyopathy 2. Review status: no assertion criteria provided. Collection method: clinical testing. Allele origin: unknown. Affected: yes. Observed: 1 variant allele. Not counted in ClinVar's aggregate classification.

Joint Genome Diagnostic Labs from Nijmegen and Maastricht, Radboudumc and MUMC+
Classification: Benign. Review status: no assertion criteria provided. Collection method: clinical testing. Allele origin: germline. Affected: yes. Study: VKGL Data-share Consensus. Not counted in ClinVar's aggregate classification.

Laboratory of Diagnostic Genome Analysis, Leiden University Medical Center (LUMC)
Classification: Likely benign. Review status: no assertion criteria provided. Collection method: clinical testing. Allele origin: germline. Affected: yes. Study: VKGL Data-share Consensus. Not counted in ClinVar's aggregate classification.

NM_001267550.2(TTN):c.81558T>C (p.Asn27186=)

Genes: TTN (titin; minus strand), TTN-AS1 (TTN antisense RNA 1; plus strand). Cytogenetic location: 2q31.2.
Variant type: single nucleotide variant.
Coding change: c.81558T>C on transcript NM_001267550.2 (MANE Select); coding-DNA position 81558, T replaced by C.
Protein change: p.Asn27186=; no amino-acid change (asparagine 27186 retained).
Molecular consequence: synonymous variant.
Genome position (GRCh38, 1-based): chr2:178,564,574, A>G on the plus strand (T>C on the coding strand, the complement: TTN is on the minus strand). VCF-style: chr2-178564574-A-G. GRCh37 (hg19) VCF-style: chr2-179429301-A-G.
Other names: p.N25545N:AAT>AAC; p.Asn24618=; c.76635T>C, p.Asn25545= (NM_001256850.1); c.73854T>C, p.Asn24618= (NM_133378.4); c.54363T>C, p.Asn18121= (NM_003319.4); c.54738T>C, p.Asn18246= (NM_133432.3); c.54939T>C, p.Asn18313= (NM_133437.4); c.81558T>C (NM_001267550.1).
Identifiers: ClinVar variation 47399 (VCV000047399.91), dbSNP rs56181243, ClinGen allele CA283879.
Genomic context (GRCh38, chr2:178,564,574, plus strand): 5'-AATATAACCTGTTATTTTGCTACCACCATCATAGGCAGGTTTCTTCCATTTCAGTGTGAC[A>G]TTGTTTCTTGTAATAACAATGGCTTCAGGGCGACCAGGTGGGTCACATGGATCACGAGCA-3'
Protein context (NP_001254479.2, residues 27176-27196): RPEAIVITRN[Asn27186=]VTLKWKKPAY